The following is an entry in ClinVar:

ClinVar aggregate classification (germline): Uncertain significance (1 of 4 stars; one submission).

Submission:

Labcorp Genetics (formerly Invitae), Labcorp
Classification: Uncertain significance. Last evaluated: 2023-08-10. Review status: criteria provided, single submitter. Criteria: Invitae Variant Classification Sherloc (09022015). Collection method: clinical testing. Allele origin: germline.
Comment: This sequence change replaces proline, which is neutral and non-polar, with serine, which is neutral and polar, at codon 314 of the ARMC9 protein (p.Pro314Ser). This variant is not present in population databases (gnomAD no frequency). This variant has not been reported in the literature in individuals affected with ARMC9-related conditions. ClinVar contains an entry for this variant (Variation ID: 1026992). Experimental studies and prediction algorithms are not available or were not evaluated, and the functional significance of this variant is currently unknown. In summary, the available evidence is currently insufficient to determine the role of this variant in disease. Therefore, it has been classified as a Variant of Uncertain Significance.

NM_001352754.2(ARMC9):c.940C>T (p.Pro314Ser)

Gene: ARMC9 (armadillo repeat containing 9; plus strand). Cytogenetic location: 2q37.1.
Variant type: single nucleotide variant.
Coding change: c.940C>T on transcript NM_001352754.2 (MANE Select); coding-DNA position 940, C replaced by T.
Protein change: p.Pro314Ser; replaces proline 314 with serine.
Molecular consequence: missense variant. On other transcripts: non-coding transcript variant (1).
Genome position (GRCh38, 1-based): chr2:231,259,016, C>T. VCF-style: chr2-231259016-C-T. GRCh37 (hg19) VCF-style: chr2-232123729-C-T.
Other names: c.940C>T, p.Pro314Ser (NM_001271466.4, NM_001291656.2, NM_001352755.2 and 3 more transcripts); c.841C>T, p.Pro281Ser (NM_001352757.2, NM_001352758.2); short protein forms P281S, P314S.
Identifiers: ClinVar variation 1026992 (VCV001026992.8), dbSNP rs2038096446, ClinGen allele CA350955055.